The following is an entry in ClinVar:

NM_000206.3(IL2RG):c.238C>A (p.Pro80Thr)

Gene: IL2RG (interleukin 2 receptor subunit gamma; minus strand). Cytogenetic location: Xq13.1.
Variant type: single nucleotide variant.
Coding change: c.238C>A on transcript NM_000206.3 (MANE Select); coding-DNA position 238, C replaced by A.
Protein change: p.Pro80Thr; replaces proline 80 with threonine.
Molecular consequence: missense variant.
Genome position (GRCh38, 1-based): chrX:71,110,928, G>T on the plus strand (C>A on the coding strand, the complement: IL2RG is on the minus strand). VCF-style: chrX-71110928-G-T. GRCh37 (hg19) VCF-style: chrX-70330778-G-T.
Other names: short protein forms P80T.
Identifiers: ClinVar variation 1398369 (VCV001398369.3), dbSNP rs2147750896, ClinGen allele CA413497028.

ClinVar aggregate classification (germline): Uncertain significance (1 of 4 stars; one submission).

Conditions:
X-linked severe combined immunodeficiency (SCIDX1). Also called: IMMUNODEFICIENCY 4; SCID, X-LINKED; SEVERE COMBINED IMMUNODEFICIENCY, X-LINKED, T CELL-NEGATIVE, B CELL-POSITIVE, NK CELL-NEGATIVE; T-B+ severe combined immunodeficiency due to gamma chain deficiency; X-Linked Combined Immunodeficiency Diseases. Identifiers: Orphanet 276, MedGen C6022468, MONDO:0010315, OMIM 300400. Disease mechanism: loss of function.

Submission:

Labcorp Genetics (formerly Invitae), Labcorp
Classification: Uncertain significance for X-linked severe combined immunodeficiency. Last evaluated: 2021-12-07. Review status: criteria provided, single submitter. Criteria: Invitae Variant Classification Sherloc (09022015). Collection method: clinical testing. Allele origin: germline.
Comment: This sequence change replaces proline, which is neutral and non-polar, with threonine, which is neutral and polar, at codon 80 of the IL2RG protein (p.Pro80Thr). This variant is not present in population databases (gnomAD no frequency). This variant has not been reported in the literature in individuals affected with IL2RG-related conditions. Advanced modeling of protein sequence and biophysical properties (such as structural, functional, and spatial information, amino acid conservation, physicochemical variation, residue mobility, and thermodynamic stability) performed at Invitae indicates that this missense variant is not expected to disrupt IL2RG protein function. In summary, the available evidence is currently insufficient to determine the role of this variant in disease. Therefore, it has been classified as a Variant of Uncertain Significance.